The following is an entry in ClinVar:

ClinVar aggregate classification (germline): Pathogenic (1 of 4 stars; one submission).

Conditions:
GLUT1 deficiency syndrome 1, autosomal recessive. Identifiers: MedGen C3149117.

Submission:

Labcorp Genetics (formerly Invitae), Labcorp
Classification: Pathogenic for GLUT1 deficiency syndrome 1, autosomal recessive. Last evaluated: 2022-05-08. Review status: criteria provided, single submitter. Criteria: Invitae Variant Classification Sherloc (09022015). Collection method: clinical testing. Allele origin: germline.
Comment: For these reasons, this variant has been classified as Pathogenic. This premature translational stop signal has been observed in individual(s) with clinical features of glucose transporter type 1 deficiency syndrome (PMID: 26193382, 26537434). This variant is not present in population databases (gnomAD no frequency). This sequence change creates a premature translational stop signal (p.Trp48*) in the SLC2A1 gene. It is expected to result in an absent or disrupted protein product. Loss-of-function variants in SLC2A1 are known to be pathogenic (PMID: 21832227, 26193382).

Literature cited by the submitters: PubMed 26193382; PubMed 26537434; PubMed 21832227.

NM_006516.4(SLC2A1):c.143G>A (p.Trp48Ter)

Gene: SLC2A1 (solute carrier family 2 member 1; minus strand). Cytogenetic location: 1p34.2.
Variant type: single nucleotide variant.
Coding change: c.143G>A on transcript NM_006516.4 (MANE Select); coding-DNA position 143, G replaced by A.
Protein change: p.Trp48Ter; replaces tryptophan 48 with a stop codon.
Molecular consequence: nonsense.
Genome position (GRCh38, 1-based): chr1:42,931,178, C>T on the plus strand (G>A on the coding strand, the complement: SLC2A1 is on the minus strand). VCF-style: chr1-42931178-C-T. GRCh37 (hg19) VCF-style: chr1-43396849-C-T.
Other names: short protein forms W48*.
Identifiers: ClinVar variation 2202745 (VCV002202745.4), dbSNP rs2524999660, ClinGen allele CA339962484.